The following is an entry in ClinVar:

NM_000487.6(ARSA):c.465G>C (p.Gln155His)

Gene: ARSA (arylsulfatase A; minus strand). Cytogenetic location: 22q13.33.
Variant type: single nucleotide variant.
Coding change: c.465G>C on transcript NM_000487.6 (MANE Select); coding-DNA position 465, G replaced by C.
Protein change: p.Gln155His; replaces glutamine 155 with histidine.
Molecular consequence: missense variant.
Genome position (GRCh38, 1-based): chr22:50,627,166, C>G on the plus strand (G>C on the coding strand, the complement: ARSA is on the minus strand). VCF-style: chr22-50627166-C-G. GRCh37 (hg19) VCF-style: chr22-51065594-C-G.
Other names: NP_000478.3:p.(Gln155His); c.465G>C, p.Gln155His (NM_001085425.3, NM_001085426.3, NM_001085427.3); c.207G>C, p.Gln69His (NM_001085428.3, NM_001362782.2); short protein forms Q155H, Q69H.
Identifiers: ClinVar variation 68136 (VCV000068136.5), dbSNP rs199476377, ClinGen allele CA219028.

ClinVar aggregate classification (germline): Likely pathogenic. Review status: criteria provided, multiple submitters, no conflicts (2 of 4 stars). 3 submissions from 3 submitters: Likely pathogenic (2). 1 of the submissions does not count toward it. Last evaluated 2026-09-17.

Conditions:
Metachromatic leukodystrophy (MLD). Also called: Cerebral sclerosis diffuse metachromatic form; Arylsulfatase A Deficiency; CEREBROSIDE SULFATASE DEFICIENCY; METACHROMATIC LEUKOENCEPHALOPATHY; SULFATIDE LIPIDOSIS; ARSA DEFICIENCY. Identifiers: Orphanet 512, MedGen C0023522, MONDO:0018868, OMIM 250100.

Allele frequency attached by ClinVar (database versions not stated): gnomAD exomes below 0.00001; ExAC 0.00001.

Submissions (4):

Laboratory of Experimental Gene Therapy of Hereditary Metabolic Diseases, Research Centre for Medical Genetics
Classification: Likely pathogenic for Metachromatic leukodystrophy. Last evaluated: 2026-09-17. Review status: criteria provided, single submitter. Criteria: ARSA MLD Assertion Criteria V2 2026 09 18. Collection method: clinical testing. Allele origin: germline. Inheritance: Autosomal recessive inheritance. Affected: yes. Observed: 1 variant allele, 1 compound heterozygote.
Comment: The previously reported Likely pathogenic classification was reviewed and retained for the accompanying study. External ClinVar record reviewed: VCV000068136.3. Observations from the present referral series were not used to establish pathogenicity.

Natera, Inc.
Classification: Likely pathogenic for Metachromatic leukodystrophy. Last evaluated: 2025-09-15. Review status: criteria provided, single submitter. Criteria: Natera Variant Classification Schema (03/2026). Collection method: clinical testing. Allele origin: germline.
Comment: The c.465G>C variant in ARSA is a missense variant predicted to cause substitution of glutamine to histidine at amino acid 155. This variant is rare in the general population with a frequency below the threshold expected for the associated phenotype(s). This variant has been observed in one or more individuals affected with the associated recessive disease, as either homozygous or compound heterozygous with a second variant (PMID: 8891236). Functional studies show that this variant may disrupt protein function (PMID: 8891236). Computational prediction algorithms indicate this variant is likely to affect gene or protein function. Given the available evidence, this variant is classified as Likely Pathogenic.

Gelb Laboratory, University of Washington
No classification provided (evidence only). Condition: Metachromatic leukodystrophy. Review status: no classification provided. Collection method: in vitro. Allele origin: not applicable. Functional consequence: loss of function. Not counted in ClinVar's aggregate classification.

UniProtKB/Swiss-Prot
No classification provided. Review status: no classification provided. Collection method: not provided. Allele origin: not provided. Not counted in ClinVar's aggregate classification.

Literature cited by the submitters: PubMed 8891236 (cited by Natera, Inc.).